The following is an entry in ClinVar:

ClinVar aggregate classification (germline): Conflicting classifications of pathogenicity. Review status: criteria provided, conflicting classifications (1 of 4 stars). 2 submissions from 2 submitters: Pathogenic (1); Uncertain significance (1). Last evaluated 2025-11-27.

Conditions:
Aicardi-Goutieres syndrome 5. Identifiers: Orphanet 51, MedGen C2749659, MONDO:0013059, OMIM 612952.

Allele frequency attached by ClinVar (database versions not stated): gnomAD exomes below 0.00001; gnomAD 0.00001; TOPMed 0.00001.
gnomAD v4.1: 9 of 1,611,320 alleles (0.00056%); highest among the groups gnomAD compares: African/African-American, 0.0013%; no homozygotes.

Submissions (2):

Labcorp Genetics (formerly Invitae), Labcorp
Classification: Pathogenic for Aicardi-Goutieres syndrome 5. Last evaluated: 2025-11-27. Review status: criteria provided, single submitter. Criteria: Invitae Variant Classification Sherloc (09022015). Collection method: clinical testing. Allele origin: germline.
Comment: This sequence change replaces leucine, which is neutral and non-polar, with phenylalanine, which is neutral and non-polar, at codon 431 of the SAMHD1 protein (p.Leu431Phe). This variant is present in population databases (no rsID available, gnomAD 0.004%). This missense change has been observed in individual(s) with Aicardi-Goutieres syndrome (PMID: 30275001; external communication). In at least one individual the data is consistent with being in trans (on the opposite chromosome) from a pathogenic variant. ClinVar contains an entry for this variant (Variation ID: 559589). Invitae Evidence Modeling of protein sequence and biophysical properties (such as structural, functional, and spatial information, amino acid conservation, physicochemical variation, residue mobility, and thermodynamic stability) indicates that this missense variant is expected to disrupt SAMHD1 protein function with a positive predictive value of 95%. For these reasons, this variant has been classified as Pathogenic.

UNC Molecular Genetics  Laboratory, University of North Carolina at Chapel Hill
Classification: Uncertain significance for Aicardi-Goutieres syndrome 5. Last evaluated: 2018-08-06. Review status: criteria provided, single submitter. Criteria: ACMG Guidelines, 2015. Collection method: research. Allele origin: inherited. Inheritance: Autosomal recessive inheritance. Affected: yes. Study: CSER_NCGENES.
Comment: The SAMHD1 Leu431Phe (p.L431F) is an apparently novel missense variant that changes a single conserved amino acid from leucine to phenylalanine. Although this variant is not within either of the known functional protein domains, other nearby mutations have been associated with disease (Rice 2009, PMID: 19525956). This variant is absent from the ExAC database but observed in 1/24030 alleles in the GnomAD African population (allele frequency 0.00004). This variant has a score of 0.732 by the REVEL metapredictor (Ioannidis 2016, PMID: 27666373), which is below the ClinGen threshold cut-off (0.75) for application of ACMG/AMP in silico prediction evidence. In summary, the Leu431Phe variant is currently considered a variant of uncertain significance based on ACMG/AMP criteria (PM2, PM3, PP4).

Literature cited by the submitters: PubMed 30275001 (cited by Labcorp Genetics (formerly Invitae), Labcorp); PubMed 24316776 (cited by UNC Molecular Genetics  Laboratory, University of North Carolina at Chapel Hill).

NM_015474.4(SAMHD1):c.1293A>T (p.Leu431Phe)

Gene: SAMHD1 (SAM and HD domain containing deoxynucleoside triphosphate triphosphohydrolase 1; minus strand). Cytogenetic location: 20q11.23.
Variant type: single nucleotide variant.
Coding change: c.1293A>T on transcript NM_015474.4 (MANE Select); coding-DNA position 1293, A replaced by T.
Protein change: p.Leu431Phe; replaces leucine 431 with phenylalanine.
Molecular consequence: missense variant.
Genome position (GRCh38, 1-based): chr20:36,905,481, T>A on the plus strand (A>T on the coding strand, the complement: SAMHD1 is on the minus strand). VCF-style: chr20-36905481-T-A. GRCh37 (hg19) VCF-style: chr20-35533884-T-A.
Other names: c.1293A>T, p.Leu431Phe (NM_001363729.2, NM_001363733.2); short protein forms L431F.
Identifiers: ClinVar variation 559589 (VCV000559589.6), dbSNP rs1356154563, ClinGen allele CA408842487.